The following is an entry in ClinVar:

NM_001164508.2(NEB):c.739G>A (p.Ala247Thr)

Gene: NEB (nebulin; minus strand). Cytogenetic location: 2q23.3.
Variant type: single nucleotide variant.
Coding change: c.739G>A on transcript NM_001164508.2 (MANE Select); coding-DNA position 739, G replaced by A.
Protein change: p.Ala247Thr; replaces alanine 247 with threonine.
Molecular consequence: missense variant.
Genome position (GRCh38, 1-based): chr2:151,717,499, C>T on the plus strand (G>A on the coding strand, the complement: NEB is on the minus strand). VCF-style: chr2-151717499-C-T. GRCh37 (hg19) VCF-style: chr2-152574013-C-T.
Other names: c.739G>A (NM_004543.4); c.739G>A, p.Ala247Thr (NM_001164507.2, NM_001271208.2, NM_004543.5); short protein forms A247T.
Identifiers: ClinVar variation 840576 (VCV000840576.13), dbSNP rs571451076, ClinGen allele CA1911805.

ClinVar aggregate classification (germline): Conflicting classifications of pathogenicity. Review status: criteria provided, conflicting classifications (1 of 4 stars). 4 submissions from 4 submitters: Uncertain significance (2); Likely benign (1). 1 of the submissions does not count toward it. Last evaluated 2025-11-19.

Conditions:
Nemaline myopathy 2 (NEM2). Also called: Nemaline myopathy 2, autosomal recessive. Identifiers: MedGen C1850569, MONDO:0009725, OMIM 256030.
Inborn genetic diseases. Identifiers: MedGen C0950123, MeSH D030342.

Allele frequency attached by ClinVar (database versions not stated): gnomAD 0.00002 and 0.00001; 1000 Genomes Project 0.00020; ExAC 0.00001; TOPMed 0.00001; gnomAD exomes 0.00002; 1000 Genomes Project 30x 0.00016.
gnomAD v4.1: 19 of 1,613,700 alleles (0.0012%); highest among the groups gnomAD compares: Admixed American, 0.0083%; no homozygotes.

Submissions (4):

Labcorp Genetics (formerly Invitae), Labcorp
Classification: Likely benign for Nemaline myopathy 2. Last evaluated: 2025-11-19. Review status: criteria provided, single submitter. Criteria: Invitae Variant Classification Sherloc (09022015). Collection method: clinical testing. Allele origin: germline.

Ambry Genetics
Classification: Uncertain significance for Inborn genetic diseases. Last evaluated: 2024-08-21. Review status: criteria provided, single submitter. Criteria: Ambry Variant Classification Scheme 2023. Collection method: clinical testing. Allele origin: germline.

GeneDx
Classification: Uncertain significance. Last evaluated: 2021-01-08. Review status: criteria provided, single submitter. Criteria: GeneDx Variant Classification Process June 2021. Collection method: clinical testing. Allele origin: germline. Affected: yes.
Comment: Not observed at a significant frequency in large population cohorts (Lek et al., 2016); In silico analysis supports that this missense variant does not alter protein structure/function; Has not been previously published as pathogenic or benign to our knowledge

Natera, Inc.
Classification: Uncertain significance for Nemaline myopathy type 2. Last evaluated: 2020-12-07. Review status: no assertion criteria provided. Collection method: clinical testing. Allele origin: germline. Not counted in ClinVar's aggregate classification.